The following is an entry in ClinVar:

NM_001330260.2(SCN8A):c.4981G>A (p.Val1661Ile)

Gene: SCN8A (sodium voltage-gated channel alpha subunit 8; plus strand). Cytogenetic location: 12q13.13.
Variant type: single nucleotide variant.
Coding change: c.4981G>A on transcript NM_001330260.2 (MANE Select); coding-DNA position 4981, G replaced by A.
Protein change: p.Val1661Ile; replaces valine 1661 with isoleucine.
Molecular consequence: missense variant.
Genome position (GRCh38, 1-based): chr12:51,806,467, G>A. VCF-style: chr12-51806467-G-A. GRCh37 (hg19) VCF-style: chr12-52200251-G-A.
Other names: c.4858G>A, p.Val1620Ile (NM_001177984.3, NM_001369788.1); c.4981G>A, p.Val1661Ile (NM_014191.4); short protein forms V1661I, V1620I.
Identifiers: ClinVar variation 2772241 (VCV002772241.3), dbSNP rs2540333961, ClinGen allele CA384882164.

ClinVar aggregate classification (germline): Uncertain significance (1 of 4 stars; one submission).

Conditions:
Early-infantile DEE. Also called: Ohtahara syndrome; Early infantile epileptic encephalopathy; Early infantile epileptic encephalopathy with suppression bursts. Identifiers: Orphanet 1934, MedGen C0393706, MONDO:0800491.

Submission:

Labcorp Genetics (formerly Invitae), Labcorp
Classification: Uncertain significance for Early-infantile DEE. Last evaluated: 2023-10-28. Review status: criteria provided, single submitter. Criteria: Invitae Variant Classification Sherloc (09022015). Collection method: clinical testing. Allele origin: germline.
Comment: This sequence change replaces valine, which is neutral and non-polar, with isoleucine, which is neutral and non-polar, at codon 1661 of the SCN8A protein (p.Val1661Ile). This variant is not present in population databases (gnomAD no frequency). This variant has not been reported in the literature in individuals affected with SCN8A-related conditions. Advanced modeling of protein sequence and biophysical properties (such as structural, functional, and spatial information, amino acid conservation, physicochemical variation, residue mobility, and thermodynamic stability) has been performed at Invitae for this missense variant, however the output from this modeling did not meet the statistical confidence thresholds required to predict the impact of this variant on SCN8A protein function. In summary, the available evidence is currently insufficient to determine the role of this variant in disease. Therefore, it has been classified as a Variant of Uncertain Significance.